The following is an entry in ClinVar:

ClinVar aggregate classification (germline): Uncertain significance. Review status: criteria provided, multiple submitters, no conflicts (2 of 4 stars). 2 submissions from 2 submitters: Uncertain significance (2). Last evaluated 2025-06-17.

Allele frequency attached by ClinVar (database versions not stated): ExAC 0.00002; gnomAD 0.00002 and 0.00003; TOPMed 0.00002; gnomAD exomes 0.00003 and 0.00004.
gnomAD v4.1: 61 of 1,613,820 alleles (0.0038%); highest among the groups gnomAD compares: African/African-American, 0.0067%; no homozygotes.

Submissions (2):

Ambry Genetics
Classification: Uncertain significance. Last evaluated: 2025-06-17. Review status: criteria provided, single submitter. Criteria: Ambry Variant Classification Scheme 2023. Collection method: clinical testing. Allele origin: germline.

Labcorp Genetics (formerly Invitae), Labcorp
Classification: Uncertain significance. Last evaluated: 2024-06-17. Review status: criteria provided, single submitter. Criteria: Invitae Variant Classification Sherloc (09022015). Collection method: clinical testing. Allele origin: germline.
Comment: This sequence change replaces arginine, which is basic and polar, with tryptophan, which is neutral and slightly polar, at codon 677 of the LIG1 protein (p.Arg677Trp). This variant is present in population databases (rs770901517, gnomAD 0.007%). This variant has not been reported in the literature in individuals affected with LIG1-related conditions. ClinVar contains an entry for this variant (Variation ID: 1443522). An algorithm developed to predict the effect of missense changes on protein structure and function (PolyPhen-2) suggests that this variant is likely to be disruptive. In summary, the available evidence is currently insufficient to determine the role of this variant in disease. Therefore, it has been classified as a Variant of Uncertain Significance.

NM_000234.3(LIG1):c.2029C>T (p.Arg677Trp)

Gene: LIG1 (DNA ligase 1; minus strand). Cytogenetic location: 19q13.33.
Variant type: single nucleotide variant.
Coding change: c.2029C>T on transcript NM_000234.3 (MANE Select); coding-DNA position 2029, C replaced by T.
Protein change: p.Arg677Trp; replaces arginine 677 with tryptophan.
Molecular consequence: missense variant. On other transcripts: non-coding transcript variant (6).
Genome position (GRCh38, 1-based): chr19:48,123,294, G>A on the plus strand (C>T on the coding strand, the complement: LIG1 is on the minus strand). VCF-style: chr19-48123294-G-A. GRCh37 (hg19) VCF-style: chr19-48626551-G-A.
Other names: c.2029C>T (NM_000234.1); c.1936C>T, p.Arg646Trp (NM_001289063.2); c.1825C>T, p.Arg609Trp (NM_001289064.2); c.2026C>T, p.Arg676Trp (NM_001320970.2); c.1939C>T, p.Arg647Trp (NM_001320971.2); short protein forms R646W, R677W, R647W, R609W, R676W.
Identifiers: ClinVar variation 1443522 (VCV001443522.10), dbSNP rs770901517, ClinGen allele CA9546576.